The following is an entry in ClinVar:

NM_144508.5(KNL1):c.5522G>A (p.Arg1841His)

Gene: KNL1 (kinetochore scaffold 1; plus strand). Cytogenetic location: 15q15.1.
Variant type: single nucleotide variant.
Coding change: c.5522G>A on transcript NM_144508.5 (MANE Select); coding-DNA position 5522, G replaced by A.
Protein change: p.Arg1841His; replaces arginine 1841 with histidine.
Molecular consequence: missense variant.
Genome position (GRCh38, 1-based): chr15:40,628,617, G>A. VCF-style: chr15-40628617-G-A. GRCh37 (hg19) VCF-style: chr15-40920815-G-A.
Other names: c.5600G>A, p.Arg1867His (NM_170589.5); short protein forms R1867H, R1841H.
Identifiers: ClinVar variation 128583 (VCV000128583.52), dbSNP rs201880719, ClinGen allele CA230938.

ClinVar aggregate classification (germline): Uncertain significance. Review status: criteria provided, multiple submitters, no conflicts (2 of 4 stars). 6 submissions from 6 submitters: Uncertain significance (6). Last evaluated 2020-02-17.

Conditions:
Microcephaly 4, primary, autosomal recessive. Identifiers: Orphanet 2512, MedGen C1858516, MONDO:0011437, OMIM 604321.

Allele frequency attached by ClinVar (database versions not stated): 1000 Genomes Project 30x 0.00047; 1000 Genomes Project 0.00060; gnomAD exomes 0.00066; ESP Exome Variant Server 0.00067; TOPMed 0.00078; gnomAD 0.00084 and 0.00088.
gnomAD v4.1: 1,880 of 1,599,294 alleles (0.12%); highest among the groups gnomAD compares: Non-Finnish European, 0.15%; no homozygotes.

Submissions (6):

GeneDx
Classification: Uncertain significance. Last evaluated: 2020-02-17. Review status: criteria provided, single submitter. Criteria: GeneDx Variant Classification Process June 2021. Collection method: clinical testing. Allele origin: germline. Affected: yes.
Comment: In silico analysis supports that this missense variant does not alter protein structure/function; Has not been previously published as pathogenic or benign to our knowledge

CeGaT Center for Human Genetics Tuebingen
Classification: Uncertain significance. Last evaluated: 2020-02-01. Review status: criteria provided, single submitter. Criteria: CeGaT Center For Human Genetics Tuebingen Variant Classification Criteria Version 2. Collection method: clinical testing. Allele origin: germline. Affected: yes. Observed: 1 variant allele.

Baylor Genetics
Classification: Uncertain significance for Microcephaly 4, primary, autosomal recessive. Last evaluated: 2018-10-16. Review status: criteria provided, single submitter. Criteria: ACMG Guidelines, 2015. Collection method: clinical testing. Allele origin: maternal. Affected: yes.
Comment: This variant was determined to be of uncertain significance according to ACMG Guidelines, 2015 [PMID:25741868].

Illumina Laboratory Services, Illumina
Classification: Uncertain significance for Microcephaly 4, primary, autosomal recessive. Last evaluated: 2018-01-13. Review status: criteria provided, single submitter. Criteria: ICSL Variant Classification Criteria 13 December 2019. Collection method: clinical testing. Allele origin: germline.

Genetic Services Laboratory, University of Chicago
Classification: Uncertain significance. Last evaluated: 2013-07-03. Review status: criteria provided, single submitter. Criteria: ACMG Guidelines, 2007. Collection method: clinical testing. Allele origin: germline. Inheritance: Autosomal recessive inheritance.

Breakthrough Genomics
Classification: Uncertain significance. Review status: criteria provided, single submitter. Criteria: ACMG Guidelines, 2015. Collection method: not provided. Allele origin: germline. Inheritance: Autosomal recessive inheritance. Affected: yes.